The following is an entry in ClinVar:

NM_001205293.3(CACNA1E):c.5281T>C (p.Tyr1761His)

Gene: CACNA1E (calcium voltage-gated channel subunit alpha1 E; plus strand). Cytogenetic location: 1q25.3.
Variant type: single nucleotide variant.
Coding change: c.5281T>C on transcript NM_001205293.3 (MANE Select); coding-DNA position 5281, T replaced by C.
Protein change: p.Tyr1761His; replaces tyrosine 1761 with histidine.
Molecular consequence: missense variant.
Genome position (GRCh38, 1-based): chr1:181,781,440, T>C. VCF-style: chr1-181781440-T-C. GRCh37 (hg19) VCF-style: chr1-181750576-T-C.
Other names: c.5281T>C, p.Tyr1761His (NM_000721.4); c.5224T>C, p.Tyr1742His (NM_001205294.2); short protein forms Y1761H, Y1742H.
Identifiers: ClinVar variation 5005367 (VCV005005367.2).
Genomic context (GRCh38, chr1:181,781,440, plus strand): 5'-TGCCCCGCTAACCCACCCCATCCCAACTCACCACCCTCCATGAGCAGTGGCCGCATCCAT[T>C]ACACTGAGATGTATGAAATGCTGACTCTCATGTCACCTCCGCTAGGCCTCGGCAAGAGAT-3'
Protein context (NP_001192222.1, residues 1751-1771): YDRAACGRIH[Tyr1761His]TEMYEMLTLM

ClinVar aggregate classification (germline): Uncertain significance (1 of 4 stars; one submission).

Conditions:
Developmental and epileptic encephalopathy, 69. Also called: EPILEPTIC ENCEPHALOPATHY, EARLY INFANTILE, 69. Identifiers: MedGen C4748988, MONDO:0032657, OMIM 618285.

Submission:

Juno Genomics, Hangzhou Juno Genomics, Inc
Classification: Uncertain significance for Developmental and epileptic encephalopathy, 69. Review status: criteria provided, single submitter. Criteria: ACMG Guidelines, 2015. Collection method: clinical testing. Allele origin: germline.
Comment: Absent from controls (or at extremely low frequency if recessive) in Genome Aggregation Database.;Missense variant in a gene that has a low rate of benign missense variation.;Multiple lines of computational evidence support a deleterious effect on the gene or gene product.